The following is an entry in ClinVar:

ClinVar aggregate classification (germline): Uncertain significance (1 of 4 stars; one submission).

Conditions:
Cenani-Lenz syndactyly syndrome. Also called: CENANI SYNDACTYLISM; SYNDACTYLY, TYPE VII. Identifiers: Orphanet 3258, MedGen C1859309, MONDO:0008931, OMIM 212780.
Sclerosteosis 2 (SOST2). Identifiers: Orphanet 3152, MedGen C3280402, MONDO:0013679, OMIM 614305.
Congenital myasthenic syndrome 17. Identifiers: Orphanet 590, MedGen C4225377, MONDO:0014578, OMIM 616304.

Submission:

Labcorp Genetics (formerly Invitae), Labcorp
Classification: Uncertain significance for Cenani-Lenz syndactyly syndrome; Sclerosteosis 2; Congenital myasthenic syndrome 17. Last evaluated: 2022-02-03. Review status: criteria provided, single submitter. Criteria: Invitae Variant Classification Sherloc (09022015). Collection method: clinical testing. Allele origin: germline.
Comment: This variant is not present in population databases (gnomAD no frequency). This sequence change replaces serine, which is neutral and polar, with cysteine, which is neutral and slightly polar, at codon 587 of the LRP4 protein (p.Ser587Cys). In summary, the available evidence is currently insufficient to determine the role of this variant in disease. Therefore, it has been classified as a Variant of Uncertain Significance. Algorithms developed to predict the effect of missense changes on protein structure and function (SIFT, PolyPhen-2, Align-GVGD) all suggest that this variant is likely to be disruptive. This variant has not been reported in the literature in individuals affected with LRP4-related conditions.

NM_002334.4(LRP4):c.1760C>G (p.Ser587Cys)

Gene: LRP4 (LDL receptor related protein 4; minus strand). Cytogenetic location: 11p11.2.
Variant type: single nucleotide variant.
Coding change: c.1760C>G on transcript NM_002334.4 (MANE Select); coding-DNA position 1760, C replaced by G.
Protein change: p.Ser587Cys; replaces serine 587 with cysteine.
Molecular consequence: missense variant.
Genome position (GRCh38, 1-based): chr11:46,890,432, G>C on the plus strand (C>G on the coding strand, the complement: LRP4 is on the minus strand). VCF-style: chr11-46890432-G-C. GRCh37 (hg19) VCF-style: chr11-46911983-G-C.
Other names: short protein forms S587C.
Identifiers: ClinVar variation 2092041 (VCV002092041.4), dbSNP rs2539759682, ClinGen allele CA380283177.